The following is an entry in ClinVar:

ClinVar aggregate classification (germline): Uncertain significance (1 of 4 stars; one submission).

Conditions:
Ataxia-telangiectasia syndrome (AT). Also called: LOUIS-BAR SYNDROME; Cerebello-oculocutaneous telangiectasia; Immunodeficiency with ataxia telangiectasia; Ataxia-telangiectasia, complementation group D; AT, COMPLEMENTATION GROUP C; Ataxia-telangiectasia, complementation group E. Identifiers: Orphanet 100, MedGen C0004135, MONDO:0008840, OMIM 208900.

Submission:

Labcorp Genetics (formerly Invitae), Labcorp
Classification: Uncertain significance for Ataxia-telangiectasia syndrome. Last evaluated: 2020-08-24. Review status: criteria provided, single submitter. Criteria: Invitae Variant Classification Sherloc (09022015). Collection method: clinical testing. Allele origin: germline.
Comment: Algorithms developed to predict the effect of missense changes on protein structure and function (SIFT, PolyPhen-2, Align-GVGD) all suggest that this variant is likely to be tolerated, but these predictions have not been confirmed by published functional studies. In summary, this variant is a novel missense change that is not predicted to affect protein function. There is no indication that it causes disease, but the available evidence is currently insufficient to prove that conclusively. Therefore, it has been classified as a Variant of Uncertain Significance. This variant is not present in population databases (ExAC no frequency) and has not been reported in the literature in individuals with an ATM-related disease. This sequence change replaces alanine with proline at codon 2321 of the ATM protein (p.Ala2321Pro). The alanine residue is weakly conserved and there is a small physicochemical difference between alanine and proline.

NM_000051.4(ATM):c.6961G>C (p.Ala2321Pro)

Genes: C11orf65 (chromosome 11 open reading frame 65; minus strand), ATM (ATM serine/threonine kinase; plus strand). Cytogenetic location: 11q22.3.
Variant type: single nucleotide variant.
Coding change: c.6961G>C on transcript NM_000051.4 (MANE Select); coding-DNA position 6961, G replaced by C.
Protein change: p.Ala2321Pro; replaces alanine 2321 with proline.
Molecular consequence: missense variant. On other transcripts: intron variant (2).
Genome position (GRCh38, 1-based): chr11:108,326,211, G>C. VCF-style: chr11-108326211-G-C. GRCh37 (hg19) VCF-style: chr11-108196938-G-C.
Other names: c.6961G>C, p.Ala2321Pro (NM_001351834.2); c.641-17140C>G (NM_001330368.2); c.*38+9009C>G (NM_001351110.2); short protein forms A2321P.
Identifiers: ClinVar variation 407466 (VCV000407466.9), dbSNP rs1060501538, ClinGen allele CA16613474.